The following is an entry in ClinVar:

ClinVar aggregate classification (germline): Conflicting classifications of pathogenicity. Review status: criteria provided, conflicting classifications (1 of 4 stars). 2 submissions from 2 submitters: Uncertain significance (1); Likely benign (1). Last evaluated 2025-11-26.

Conditions:
Hereditary cancer-predisposing syndrome. Also called: Neoplastic Syndromes, Hereditary; Tumor predisposition; Hereditary neoplastic syndrome; Hereditary Cancer Syndrome. Identifiers: Orphanet 140162, MedGen C0027672, MeSH D009386, MONDO:0015356.
Multiple endocrine neoplasia, type 2 (MEN2). Identifiers: Orphanet 653, MedGen C4048306, MONDO:0019003. Disease mechanism: gain of function.

gnomAD v4.1: 1 of 1,613,780 alleles (0.000062%); highest among the groups gnomAD compares: Non-Finnish European, 0.000085%; no homozygotes.

Submissions (2):

Labcorp Genetics (formerly Invitae), Labcorp
Classification: Uncertain significance for Multiple endocrine neoplasia, type 2. Last evaluated: 2025-11-26. Review status: criteria provided, single submitter. Criteria: Invitae Variant Classification Sherloc (09022015). Collection method: clinical testing. Allele origin: germline.
Comment: This sequence change replaces leucine, which is neutral and non-polar, with phenylalanine, which is neutral and non-polar, at codon 410 of the RET protein (p.Leu410Phe). This variant is not present in population databases (gnomAD no frequency). This variant has not been reported in the literature in individuals affected with RET-related conditions. ClinVar contains an entry for this variant (Variation ID: 1364973). An algorithm developed to predict the effect of missense changes on protein structure and function outputs the following: PolyPhen-2: "Benign". The phenylalanine amino acid residue is found in multiple mammalian species, which suggests that this missense change does not adversely affect protein function. In summary, the available evidence is currently insufficient to determine the role of this variant in disease. Therefore, it has been classified as a Variant of Uncertain Significance.

Ambry Genetics
Classification: Likely benign for Hereditary cancer-predisposing syndrome. Last evaluated: 2021-03-04. Review status: criteria provided, single submitter. Criteria: Ambry Variant Classification Scheme 2023. Collection method: clinical testing. Allele origin: germline.

NM_020975.6(RET):c.1228C>T (p.Leu410Phe)

Gene: RET (ret proto-oncogene; plus strand). Cytogenetic location: 10q11.21.
Variant type: single nucleotide variant.
Coding change: c.1228C>T on transcript NM_020975.6 (MANE Select); coding-DNA position 1228, C replaced by T.
Protein change: p.Leu410Phe; replaces leucine 410 with phenylalanine.
Molecular consequence: missense variant.
Genome position (GRCh38, 1-based): chr10:43,109,195, C>T. VCF-style: chr10-43109195-C-T. GRCh37 (hg19) VCF-style: chr10-43604643-C-T.
Other names: c.1228C>T, p.Leu410Phe (NM_000323.2, NM_001406743.1, NM_001406744.1 and 6 more transcripts); c.466C>T, p.Leu156Phe (NM_001355216.2); c.1099C>T, p.Leu367Phe (NM_001406761.1, NM_001406762.1, NM_001406764.1 and 1 more transcripts); c.940C>T, p.Leu314Phe (NM_001406766.1, NM_001406767.1, NM_001406770.1); c.790C>T, p.Leu264Phe (NM_001406771.1, NM_001406773.1); c.502C>T, p.Leu168Phe (NM_001406775.1, NM_001406776.1, NM_001406777.1 and 1 more transcripts); c.238C>T, p.Leu80Phe (NM_001406784.1); short protein forms L156F, L410F, L367F, L264F, L80F, L314F, L168F.
Identifiers: ClinVar variation 1364973 (VCV001364973.11), dbSNP rs1588869546, ClinGen allele CA376547930.